The following is an entry in ClinVar:

NM_000078.3(CETP):c.919G>C (p.Asp307His)

Gene: CETP (cholesteryl ester transfer protein; plus strand). Cytogenetic location: 16q13.
Variant type: single nucleotide variant.
Coding change: c.919G>C on transcript NM_000078.3 (MANE Select); coding-DNA position 919, G replaced by C.
Protein change: p.Asp307His; replaces aspartic acid 307 with histidine.
Molecular consequence: missense variant. On other transcripts: intron variant (1).
Genome position (GRCh38, 1-based): chr16:56,973,499, G>C. VCF-style: chr16-56973499-G-C. GRCh37 (hg19) VCF-style: chr16-57007411-G-C.
Other names: c.750+1416G>C (NM_001286085.2); short protein forms D307H.
Identifiers: ClinVar variation 4768379 (VCV004768379.1).
Genomic context (GRCh38, chr16:56,973,499, plus strand): 5'-TTCCACTCGCTGGCCAAGGTAGCTTTCCAGGATGGCCGCCTCATGCTCAGCCTGATGGGA[G>C]ACGAGTTCAAGGTGAGTGGGTGGGGCTGGGCTGCTAGGGGATCCAGATGGCATGTGGTAT-3'
Protein context (NP_000069.2, residues 297-317): DGRLMLSLMG[Asp307His]EFKAVLETWG

ClinVar aggregate classification (germline): Uncertain significance (1 of 4 stars; one submission).

Submission:

Labcorp Genetics (formerly Invitae), Labcorp
Classification: Uncertain significance. Last evaluated: 2025-03-07. Review status: criteria provided, single submitter. Criteria: Invitae Variant Classification Sherloc (09022015). Collection method: clinical testing. Allele origin: germline.
Comment: This sequence change replaces aspartic acid, which is acidic and polar, with histidine, which is basic and polar, at codon 307 of the CETP protein (p.Asp307His). This variant is not present in population databases (gnomAD no frequency). This variant has not been reported in the literature in individuals affected with CETP-related conditions. Invitae Evidence Modeling of protein sequence and biophysical properties (such as structural, functional, and spatial information, amino acid conservation, physicochemical variation, residue mobility, and thermodynamic stability) indicates that this missense variant is not expected to disrupt CETP protein function with a negative predictive value of 80%. In summary, the available evidence is currently insufficient to determine the role of this variant in disease. Therefore, it has been classified as a Variant of Uncertain Significance.